The following is an entry in ClinVar:

ClinVar aggregate classification (germline): Uncertain significance (1 of 4 stars; one submission).

Conditions:
Inborn genetic diseases. Identifiers: MedGen C0950123, MeSH D030342.

gnomAD v4.1: 17 of 1,613,832 alleles (0.0011%); highest among the groups gnomAD compares: Non-Finnish European, 0.0014%; no homozygotes.

Submission:

Ambry Genetics
Classification: Uncertain significance for Inborn genetic diseases. Last evaluated: 2026-08-17. Review status: criteria provided, single submitter. Criteria: Ambry Variant Classification Scheme 2023. Collection method: clinical testing. Allele origin: germline.
Comment: The c.1504C>G (p.R502G) alteration is located in exon 15 (coding exon 15) of the GALNT2 gene. This alteration results from a C to G substitution at nucleotide position 1504, causing the arginine (R) at amino acid position 502 to be replaced by a glycine (G). Based on data from gnomAD, the G allele has an overall frequency of 0.003% (1/31374) total alleles studied. The highest observed frequency was 0.007% (1/15424) of European (non-Finnish) alleles. Based on insufficient or conflicting evidence, the clinical significance of this alteration remains unclear.

NM_004481.5(GALNT2):c.1504C>G (p.Arg502Gly)

Gene: GALNT2 (polypeptide N-acetylgalactosaminyltransferase 2; plus strand). Cytogenetic location: 1q42.13.
Variant type: single nucleotide variant.
Coding change: c.1504C>G on transcript NM_004481.5 (MANE Select); coding-DNA position 1504, C replaced by G.
Protein change: p.Arg502Gly; replaces arginine 502 with glycine.
Molecular consequence: missense variant.
Genome position (GRCh38, 1-based): chr1:230,274,508, C>G. VCF-style: chr1-230274508-C-G. GRCh37 (hg19) VCF-style: chr1-230410254-C-G.
Other names: c.1390C>G, p.Arg464Gly (NM_001291866.2); short protein forms R464G, R502G.
Identifiers: ClinVar variation 5022163 (VCV005022163.1).
Genomic context (GRCh38, chr1:230,274,508, plus strand): 5'-TGGGCCTTGACGAAGGAGAAGTCGGTGAAGCACATGGATTTGTGCCTTACTGTGGTGGAC[C>G]GGGCACCGGGCTCTCTTATAAAGCTGCAGGGCTGCCGAGAAAATGACAGCAGACAGGTAC-3'
Protein context (NP_004472.1, residues 492-512): HMDLCLTVVD[Arg502Gly]APGSLIKLQG